The following is an entry in ClinVar:

ClinVar aggregate classification (germline): Likely benign. Review status: criteria provided, multiple submitters, no conflicts (2 of 4 stars). 2 submissions from 2 submitters: Likely benign (2). Last evaluated 2025-09-27.

Conditions:
Left ventricular noncompaction 8 (LVNC8). Identifiers: Orphanet 154, Orphanet 54260, MedGen C3809288, MONDO:0014152, OMIM 615373.

Allele frequency attached by ClinVar (database versions not stated): ExAC 0.00001; gnomAD 0.00001; gnomAD exomes 0.00001; TOPMed 0.00003.
gnomAD v4.1: 11 of 1,613,234 alleles (0.00068%); highest among the groups gnomAD compares: East Asian, 0.0045%; no homozygotes.

Submissions (2):

Labcorp Genetics (formerly Invitae), Labcorp
Classification: Likely benign for Left ventricular noncompaction 8. Last evaluated: 2025-09-27. Review status: criteria provided, single submitter. Criteria: Invitae Variant Classification Sherloc (09022015). Collection method: clinical testing. Allele origin: germline.

GeneDx
Classification: Likely benign. Last evaluated: 2018-06-05. Review status: criteria provided, single submitter. Criteria: GeneDx Variant Classification (06012015). Collection method: clinical testing. Allele origin: germline. Affected: yes.
Comment: This variant is considered likely benign or benign based on one or more of the following criteria: it is a conservative change, it occurs at a poorly conserved position in the protein, it is predicted to be benign by multiple in silico algorithms, and/or has population frequency not consistent with disease.

NM_022114.4(PRDM16):c.573+8C>T

Gene: PRDM16 (PR/SET domain 16; plus strand). Cytogenetic location: 1p36.32.
Variant type: single nucleotide variant.
Coding change: c.573+8C>T on transcript NM_022114.4 (MANE Select); 8 bases into the intron after coding-DNA position 573, C replaced by T.
Molecular consequence: intron variant.
Genome position (GRCh38, 1-based): chr1:3,385,294, C>T. VCF-style: chr1-3385294-C-T. GRCh37 (hg19) VCF-style: chr1-3301858-C-T.
Other names: c.573+8C>T (NM_199454.3).
Identifiers: ClinVar variation 669243 (VCV000669243.2), dbSNP rs751831812, ClinGen allele CA543850.